The following continues an entry in ClinVar:

NM_000414.4(HSD17B4):c.875C>G (p.Thr292Ser)

Gene: HSD17B4. ClinVar aggregate classification (germline): Benign/Likely benign. Benign (5); Likely benign (3).

Submissions 27 to 39 of 39:

Dr. Peter K. Rogan Lab, Western University
No classification provided (evidence only). Condition: Cervical cancer. Review status: no classification provided. Collection method: in vitro. Allele origin: not applicable. Functional consequence: retained intron. Not counted in ClinVar's aggregate classification.

Dr. Peter K. Rogan Lab, Western University
No classification provided (evidence only). Condition: Cervical cancer. Review status: no classification provided. Collection method: in vitro. Allele origin: not applicable. Functional consequence: retained intron. Not counted in ClinVar's aggregate classification.

Dr. Peter K. Rogan Lab, Western University
No classification provided (evidence only). Condition: Cervical cancer. Review status: no classification provided. Collection method: in vitro. Allele origin: not applicable. Functional consequence: retained intron. Not counted in ClinVar's aggregate classification.

Dr. Peter K. Rogan Lab, Western University
No classification provided (evidence only). Condition: Cervical cancer. Review status: no classification provided. Collection method: in vitro. Allele origin: not applicable. Functional consequence: retained intron. Not counted in ClinVar's aggregate classification.

Dr. Peter K. Rogan Lab, Western University
No classification provided (evidence only). Condition: Cervical cancer. Review status: no classification provided. Collection method: in vitro. Allele origin: not applicable. Functional consequence: retained intron. Not counted in ClinVar's aggregate classification.

Dr. Peter K. Rogan Lab, Western University
No classification provided (evidence only). Condition: Sarcoma. Review status: no classification provided. Collection method: in vitro. Allele origin: not applicable. Functional consequence: retained intron. Not counted in ClinVar's aggregate classification.

Dr. Peter K. Rogan Lab, Western University
No classification provided (evidence only). Condition: Sarcoma. Review status: no classification provided. Collection method: in vitro. Allele origin: not applicable. Functional consequence: retained intron. Not counted in ClinVar's aggregate classification.

Dr. Peter K. Rogan Lab, Western University
No classification provided (evidence only). Condition: Hepatocellular carcinoma. Review status: no classification provided. Collection method: in vitro. Allele origin: not applicable. Functional consequence: retained intron. Not counted in ClinVar's aggregate classification.

Dr. Peter K. Rogan Lab, Western University
No classification provided (evidence only). Condition: Hepatocellular carcinoma. Review status: no classification provided. Collection method: in vitro. Allele origin: not applicable. Functional consequence: retained intron. Not counted in ClinVar's aggregate classification.

Dr. Peter K. Rogan Lab, Western University
No classification provided (evidence only). Condition: Nonpapillary renal cell carcinoma. Review status: no classification provided. Collection method: in vitro. Allele origin: not applicable. Functional consequence: retained intron. Not counted in ClinVar's aggregate classification.

Dr. Peter K. Rogan Lab, Western University
No classification provided (evidence only). Condition: Gastric cancer. Review status: no classification provided. Collection method: in vitro. Allele origin: not applicable. Functional consequence: retained intron. Not counted in ClinVar's aggregate classification.

Dr. Peter K. Rogan Lab, Western University
No classification provided (evidence only). Condition: Adrenocortical carcinoma, hereditary. Review status: no classification provided. Collection method: in vitro. Allele origin: not applicable. Functional consequence: retained intron. Not counted in ClinVar's aggregate classification.

Dr. Peter K. Rogan Lab, Western University
No classification provided (evidence only). Condition: Uterine carcinosarcoma. Review status: no classification provided. Collection method: in vitro. Allele origin: not applicable. Functional consequence: retained intron. Not counted in ClinVar's aggregate classification.